The following is an entry in ClinVar:

ClinVar aggregate classification (germline): Uncertain significance (1 of 4 stars; one submission).

Conditions:
Hereditary cancer-predisposing syndrome. Also called: Neoplastic Syndromes, Hereditary; Tumor predisposition; Hereditary Cancer Syndrome; Hereditary neoplastic syndrome. Identifiers: Orphanet 140162, MedGen C0027672, MeSH D009386, MONDO:0015356.

Submission:

Ambry Genetics
Classification: Uncertain significance for Hereditary cancer-predisposing syndrome. Last evaluated: 2020-01-06. Review status: criteria provided, single submitter. Criteria: Ambry Variant Classification Scheme 2023. Collection method: clinical testing. Allele origin: germline.
Comment: The p.N732T variant (also known as c.2195A>C), located in coding exon 15 of the APC gene, results from an A to C substitution at nucleotide position 2195. The asparagine at codon 732 is replaced by threonine, an amino acid with similar properties. This amino acid position is highly conserved in available vertebrate species. In addition, in silico predictors for this gene do not accurately predict pathogenicity. Since supporting evidence is limited at this time, the clinical significance of this alteration remains unclear.

NM_000038.6(APC):c.2195A>C (p.Asn732Thr)

Gene: APC (APC regulator of Wnt signaling pathway; plus strand). Cytogenetic location: 5q22.2.
Variant type: single nucleotide variant.
Coding change: c.2195A>C on transcript NM_000038.6 (MANE Select); coding-DNA position 2195, A replaced by C.
Protein change: p.Asn732Thr; replaces asparagine 732 with threonine.
Molecular consequence: missense variant.
Genome position (GRCh38, 1-based): chr5:112,837,789, A>C. VCF-style: chr5-112837789-A-C. GRCh37 (hg19) VCF-style: chr5-112173486-A-C.
Other names: c.2195A>C, p.Asn732Thr (NM_001127510.3, NM_001354895.2, NM_001407450.1); c.2141A>C, p.Asn714Thr (NM_001127511.3); c.2249A>C, p.Asn750Thr (NM_001354896.2, NM_001407447.1, NM_001407448.1 and 1 more transcripts); c.2225A>C, p.Asn742Thr (NM_001354897.2); c.2120A>C, p.Asn707Thr (NM_001354898.2); c.2111A>C, p.Asn704Thr (NM_001354899.2); c.2072A>C, p.Asn691Thr (NM_001354900.2); c.2018A>C, p.Asn673Thr (NM_001354901.2, NM_001407453.1); and 11 more; short protein forms N449T, N572T, N631T, N714T, N760T, N641T, N722T, N732T.
Identifiers: ClinVar variation 1787470 (VCV001787470.2), dbSNP rs1580619202, ClinGen allele CA16026140.